The following is an entry in ClinVar:

ClinVar aggregate classification (germline): Uncertain significance. Review status: criteria provided, multiple submitters, no conflicts (2 of 4 stars). 2 submissions from 2 submitters: Uncertain significance (2). Last evaluated 2025-08-04.

Conditions:
Inborn genetic diseases. Identifiers: MedGen C0950123, MeSH D030342.

gnomAD v4.1: 167 of 1,613,642 alleles (0.01%); highest among the groups gnomAD compares: Non-Finnish European, 0.013%; no homozygotes.

Submissions (2):

GeneDx
Classification: Uncertain significance. Last evaluated: 2025-08-04. Review status: criteria provided, single submitter. Criteria: GeneDx Variant Classification Process June 2021. Collection method: clinical testing. Allele origin: germline.
Comment: In silico analysis supports that this missense variant has a deleterious effect on protein structure/function; Has not been previously published as pathogenic or benign to our knowledge

Ambry Genetics
Classification: Uncertain significance for Inborn genetic diseases. Last evaluated: 2024-05-14. Review status: criteria provided, single submitter. Criteria: Ambry Variant Classification Scheme 2023. Collection method: clinical testing. Allele origin: germline.

NM_005993.5(TBCD):c.712C>T (p.Arg238Cys)

Gene: TBCD (tubulin folding cofactor D). Cytogenetic location: 17q25.3.
Variant type: single nucleotide variant.
Coding change: c.712C>T on transcript NM_005993.5 (MANE Select); coding-DNA position 712, C replaced by T.
Protein change: p.Arg238Cys; replaces arginine 238 with cysteine.
Molecular consequence: missense variant.
Genome position (GRCh38, 1-based): chr17:82,781,662, C>T. VCF-style: chr17-82781662-C-T. GRCh37 (hg19) VCF-style: chr17-80739538-C-T.
Other names: c.661C>T, p.Arg221Cys (NM_001411101.1); c.712C>T, p.Arg238Cys (NM_001411102.1); short protein forms R221C, R238C.
Identifiers: ClinVar variation 3324768 (VCV003324768.3).